The following is an entry in ClinVar:

ClinVar aggregate classification (germline): Likely benign. Review status: criteria provided, multiple submitters, no conflicts (2 of 4 stars). 2 submissions from 2 submitters: Likely benign (2). Last evaluated 2025-12-09.

Conditions:
Lynch syndrome 5 (LYNCH5). Also called: Colorectal cancer, hereditary nonpolyposis, type 5; Hereditary non-polyposis colorectal cancer, type 5. Identifiers: Orphanet 144, MedGen C1833477, MONDO:0013710, OMIM 614350. Disease mechanism: loss of function.
Hereditary nonpolyposis colorectal neoplasms. Identifiers: MedGen C0009405, MeSH D003123.

Allele frequency attached by ClinVar (database versions not stated): gnomAD exomes below 0.00001; TOPMed below 0.00001.
gnomAD v4.1: 2 of 1,613,926 alleles (0.00012%); highest among the groups gnomAD compares: Admixed American, 0.0017%; no homozygotes.

Submissions (2):

Labcorp Genetics (formerly Invitae), Labcorp
Classification: Likely benign for Hereditary nonpolyposis colorectal neoplasms. Last evaluated: 2025-12-09. Review status: criteria provided, single submitter. Criteria: Invitae Variant Classification Sherloc (09022015). Collection method: clinical testing. Allele origin: germline.

Myriad Genetics, Inc.
Classification: Likely benign for Lynch syndrome 5. Last evaluated: 2025-01-08. Review status: criteria provided, single submitter. Criteria: Myriad Autosomal Dominant, Autosomal Recessive and X-Linked Classification Criteria (2023). Collection method: clinical testing. Allele origin: unknown.
Comment: This variant is considered likely benign. This variant is intronic and is not expected to impact mRNA splicing.

NM_000179.3(MSH6):c.3802-19A>G

Gene: MSH6 (mutS homolog 6; plus strand). Cytogenetic location: 2p16.3.
Variant type: single nucleotide variant.
Coding change: c.3802-19A>G on transcript NM_000179.3 (MANE Select); 19 bases into the intron before coding-DNA position 3802, A replaced by G.
Molecular consequence: intron variant.
Genome position (GRCh38, 1-based): chr2:47,806,433, A>G. VCF-style: chr2-47806433-A-G. GRCh37 (hg19) VCF-style: chr2-48033572-A-G.
Other names: c.2896-19A>G (NM_001281493.2, NM_001281494.2); c.3412-19A>G (NM_001281492.2).
Identifiers: ClinVar variation 2083019 (VCV002083019.5), dbSNP rs1201277355, ClinGen allele CA532705507.